The following is an entry in ClinVar:

NM_012275.3(IL36RN):c.313A>G (p.Met105Val)

Gene: IL36RN (interleukin 36 receptor antagonist; plus strand). Cytogenetic location: 2q14.1.
Variant type: single nucleotide variant.
Coding change: c.313A>G on transcript NM_012275.3 (MANE Select); coding-DNA position 313, A replaced by G.
Protein change: p.Met105Val; replaces methionine 105 with valine.
Molecular consequence: missense variant.
Genome position (GRCh38, 1-based): chr2:113,062,522, A>G. VCF-style: chr2-113062522-A-G. GRCh37 (hg19) VCF-style: chr2-113820099-A-G.
Other names: p.Met105Val; c.313A>G, p.Met105Val (NM_173170.1); short protein forms M105V.
Identifiers: ClinVar variation 2408855 (VCV002408855.3), dbSNP rs1257617143, ClinGen allele CA348290341.
Genomic context (GRCh38, chr2:113,062,522, plus strand): 5'-ATCATGGAGCTCTATCTTGGTGCCAAGGAATCCAAGAGCTTCACCTTCTACCGGCGGGAC[A>G]TGGGGCTCACCTCCAGCTTCGAGTCGGCTGCCTACCCGGGCTGGTTCCTGTGCACGGTGC-3'
Protein context (NP_036407.1, residues 95-115): SKSFTFYRRD[Met105Val]GLTSSFESAA

ClinVar aggregate classification (germline): Uncertain significance. Review status: criteria provided, multiple submitters, no conflicts (2 of 4 stars). 2 submissions from 2 submitters: Uncertain significance (2). Last evaluated 2022-07-27.

Conditions:
Inborn genetic diseases. Identifiers: MedGen C0950123, MeSH D030342.

Allele frequency attached by ClinVar (database versions not stated): TOPMed 0.00003; gnomAD 0.00004.

Submissions (2):

Mayo Clinic Laboratories, Mayo Clinic
Classification: Uncertain significance. Last evaluated: 2022-07-27. Review status: criteria provided, single submitter. Criteria: ACMG Guidelines, 2015. Collection method: clinical testing. Allele origin: germline. Observed: 1 variant allele.
Comment: BP4

Ambry Genetics
Classification: Uncertain significance for Inborn genetic diseases. Last evaluated: 2022-06-13. Review status: criteria provided, single submitter. Criteria: Ambry Variant Classification Scheme 2023. Collection method: clinical testing. Allele origin: germline.